The following is an entry in ClinVar:

NM_182495.6(NXPE2):c.1423C>T (p.Arg475Cys)

Gene: NXPE2 (neurexophilin and PC-esterase domain family member 2; plus strand). Cytogenetic location: 11q23.3.
Variant type: single nucleotide variant.
Coding change: c.1423C>T on transcript NM_182495.6 (MANE Select); coding-DNA position 1423, C replaced by T.
Protein change: p.Arg475Cys; replaces arginine 475 with cysteine.
Molecular consequence: missense variant.
Genome position (GRCh38, 1-based): chr11:114,706,673, C>T. VCF-style: chr11-114706673-C-T. GRCh37 (hg19) VCF-style: chr11-114577395-C-T.
Other names: short protein forms R475C.
Identifiers: ClinVar variation 2642390 (VCV002642390.24), dbSNP rs144998340, ClinGen allele CA6287351.
Genomic context (GRCh38, chr11:114,706,673, plus strand): 5'-AGACCCTTTCCCATCAACATTTTCATCCGTAGGGCCATCAATATTCAAAAGGCCATTGAA[C>T]GTCTATTCTTGCGAAGCCCGGAGACCAAGGTGATACTTAAAACTGAAAACACCAGAGAGA-3'
Protein context (NP_872301.2, residues 465-485): RAINIQKAIE[Arg475Cys]LFLRSPETKV

ClinVar aggregate classification (germline): Likely benign (1 of 4 stars; one submission).

Allele frequency attached by ClinVar (database versions not stated): ExAC 0.00108; 1000 Genomes Project 0.00180; 1000 Genomes Project 30x 0.00219; ESP Exome Variant Server 0.00219; gnomAD 0.00223; TOPMed 0.00287.
gnomAD v4.1: 816 of 1,552,012 alleles (0.053%); highest among the groups gnomAD compares: African/African-American, 0.76%; 5 homozygotes.

Submission:

CeGaT Center for Human Genetics Tuebingen
Classification: Likely benign. Last evaluated: 2022-09-01. Review status: criteria provided, single submitter. Criteria: CeGaT Center For Human Genetics Tuebingen Variant Classification Criteria Version 2. Collection method: clinical testing. Allele origin: germline. Affected: yes. Observed: 1 variant allele.
Comment: NXPE2: BP4